The following is an entry in ClinVar:

NM_000535.7(PMS2):c.748T>G (p.Ser250Ala)

Gene: PMS2 (PMS1 homolog 2, mismatch repair system component; minus strand). Cytogenetic location: 7p22.1.
Variant type: single nucleotide variant.
Coding change: c.748T>G on transcript NM_000535.7 (MANE Select); coding-DNA position 748, T replaced by G.
Protein change: p.Ser250Ala; replaces serine 250 with alanine.
Molecular consequence: missense variant. On other transcripts: 5 prime UTR variant (2), non-coding transcript variant (1), intron variant (3).
Genome position (GRCh38, 1-based): chr7:5,997,381, A>C on the plus strand (T>G on the coding strand, the complement: PMS2 is on the minus strand). VCF-style: chr7-5997381-A-C. GRCh37 (hg19) VCF-style: chr7-6037012-A-C.
Other names: c.343T>G, p.Ser115Ala (NM_001322003.2, NM_001322004.2, NM_001322005.2 and 19 more transcripts); c.748T>G, p.Ser250Ala (NM_001322006.2, NM_001322014.2, NM_001406870.1 and 3 more transcripts); c.430T>G, p.Ser144Ala (NM_001322007.2, NM_001322008.2, NM_001406876.1 and 4 more transcripts); c.-186T>G (NM_001322011.2, NM_001322012.2); c.175T>G, p.Ser59Ala (NM_001322013.2, NM_001406909.1); c.439T>G, p.Ser147Ala (NM_001322015.2, NM_001406875.1, NM_001406877.1 and 6 more transcripts); c.934T>G, p.Ser312Ala (NM_001406866.1); c.772T>G, p.Ser258Ala (NM_001406868.1); and 7 more; short protein forms S214A, S79A, S138A, S312A, S59A, S144A, S258A, S115A.
Identifiers: ClinVar variation 4711168 (VCV004711168.1).

ClinVar aggregate classification (germline): Uncertain significance (1 of 4 stars; one submission).

Conditions:
Hereditary nonpolyposis colorectal neoplasms. Identifiers: MedGen C0009405, MeSH D003123.

Submission:

Labcorp Genetics (formerly Invitae), Labcorp
Classification: Uncertain significance for Hereditary nonpolyposis colorectal neoplasms. Last evaluated: 2025-09-15. Review status: criteria provided, single submitter. Criteria: Invitae Variant Classification Sherloc (09022015). Collection method: clinical testing. Allele origin: germline.
Comment: This sequence change replaces serine, which is neutral and polar, with alanine, which is neutral and non-polar, at codon 250 of the PMS2 protein (p.Ser250Ala). This variant is not present in population databases (gnomAD no frequency). This variant has not been reported in the literature in individuals affected with PMS2-related conditions. Invitae Evidence Modeling incorporating data from in vitro experimental studies (internal data) indicates that this missense variant is not expected to disrupt PMS2 function with a negative predictive value of 95%. In summary, the available evidence is currently insufficient to determine the role of this variant in disease. Therefore, it has been classified as a Variant of Uncertain Significance.